The following is an entry in ClinVar:

NM_206937.2(LIG4):c.34T>G (p.Ser12Ala)

Gene: LIG4 (DNA ligase 4; minus strand). Cytogenetic location: 13q33.3.
Variant type: single nucleotide variant.
Coding change: c.34T>G on transcript NM_206937.2 (MANE Select); coding-DNA position 34, T replaced by G.
Protein change: p.Ser12Ala; replaces serine 12 with alanine.
Molecular consequence: missense variant. On other transcripts: intron variant (2).
Genome position (GRCh38, 1-based): chr13:108,211,235, A>C on the plus strand (T>G on the coding strand, the complement: LIG4 is on the minus strand). VCF-style: chr13-108211235-A-C. GRCh37 (hg19) VCF-style: chr13-108863583-A-C.
Other names: c.34T>G, p.Ser12Ala (NM_001098268.2, NM_001352598.2, NM_001352599.2 and 6 more transcripts); c.-149-19T>G (NM_001330595.2); c.89-19T>G (NM_001352604.2); short protein forms S12A.
Identifiers: ClinVar variation 960120 (VCV000960120.9), dbSNP rs554949695, ClinGen allele CA388624821.

ClinVar aggregate classification (germline): Uncertain significance (1 of 4 stars; one submission).

Conditions:
DNA ligase IV deficiency. Identifiers: Orphanet 99812, MedGen C1847827, MONDO:0011686, OMIM 606593.

gnomAD v4.1: 1 of 1,612,986 alleles (0.000062%); highest among the groups gnomAD compares: African/African-American, 0.0013%; no homozygotes.

Submission:

Labcorp Genetics (formerly Invitae), Labcorp
Classification: Uncertain significance for DNA ligase IV deficiency. Last evaluated: 2019-10-30. Review status: criteria provided, single submitter. Criteria: Invitae Variant Classification Sherloc (09022015). Collection method: clinical testing. Allele origin: germline.
Comment: In summary, the available evidence is currently insufficient to determine the role of this variant in disease. Therefore, it has been classified as a Variant of Uncertain Significance. Algorithms developed to predict the effect of sequence changes on RNA splicing suggest that this variant may create or strengthen a splice site, but this prediction has not been confirmed by published transcriptional studies. Algorithms developed to predict the effect of missense changes on protein structure and function output the following: SIFT: "Tolerated"; PolyPhen-2: "Benign"; Align-GVGD: "Class C0". The alanine amino acid residue is found in multiple mammalian species, suggesting that this missense change does not adversely affect protein function. These predictions have not been confirmed by published functional studies and their clinical significance is uncertain. This variant has not been reported in the literature in individuals with LIG4-related conditions. This variant is not present in population databases (ExAC no frequency). This sequence change replaces serine with alanine at codon 12 of the LIG4 protein (p.Ser12Ala). The serine residue is moderately conserved and there is a moderate physicochemical difference between serine and alanine.